The following is an entry in ClinVar:

ClinVar aggregate classification (germline): Uncertain significance (1 of 4 stars; one submission).

Conditions:
Hereditary pancreatitis (PCTT). Also called: Hereditary chronic pancreatitis; PRSS1-Related Hereditary Pancreatitis. Identifiers: Orphanet 676, MedGen C0238339, MONDO:0008185, OMIM 167800.

Submission:

Ambry Genetics
Classification: Uncertain significance for Hereditary pancreatitis. Last evaluated: 2024-06-14. Review status: criteria provided, single submitter. Criteria: Ambry Variant Classification Scheme 2023. Collection method: clinical testing. Allele origin: germline.
Comment: The p.D152Y variant (also known as c.454G>T), located in coding exon 5 of the CTRC gene, results from a G to T substitution at nucleotide position 454. The aspartic acid at codon 152 is replaced by tyrosine, an amino acid with highly dissimilar properties. This amino acid position is conserved. In addition, the in silico prediction for this alteration is inconclusive. Based on the available evidence, the clinical significance of this variant remains unclear.

NM_007272.3(CTRC):c.454G>T (p.Asp152Tyr)

Gene: CTRC (chymotrypsin C; plus strand). Cytogenetic location: 1p36.21.
Variant type: single nucleotide variant.
Coding change: c.454G>T on transcript NM_007272.3 (MANE Select); coding-DNA position 454, G replaced by T.
Protein change: p.Asp152Tyr; replaces aspartic acid 152 with tyrosine.
Molecular consequence: missense variant.
Genome position (GRCh38, 1-based): chr1:15,443,516, G>T. VCF-style: chr1-15443516-G-T. GRCh37 (hg19) VCF-style: chr1-15770011-G-T.
Other names: short protein forms D152Y.
Identifiers: ClinVar variation 3270200 (VCV003270200.1).